The following is an entry in ClinVar:

ClinVar aggregate classification (germline): Likely pathogenic (1 of 4 stars; one submission).

Submission:

GeneDx
Classification: Likely pathogenic. Last evaluated: 2019-04-16. Review status: criteria provided, single submitter. Criteria: GeneDx Variant Classification Process June 2021. Collection method: clinical testing. Allele origin: germline. Affected: yes.
Comment: Not observed in large population cohorts (Lek et al., 2016); In silico analysis, which includes protein predictors and evolutionary conservation, supports a deleterious effect; This variant is associated with the following publications: (PMID: 19177455, 20635334)

NM_007129.5(ZIC2):c.973C>A (p.Arg325Ser)

Gene: ZIC2 (Zic family member 2; plus strand). Cytogenetic location: 13q32.3.
Variant type: single nucleotide variant.
Coding change: c.973C>A on transcript NM_007129.5 (MANE Select); coding-DNA position 973, C replaced by A.
Protein change: p.Arg325Ser; replaces arginine 325 with serine.
Molecular consequence: missense variant.
Genome position (GRCh38, 1-based): chr13:99,983,037, C>A. VCF-style: chr13-99983037-C-A. GRCh37 (hg19) VCF-style: chr13-100635291-C-A.
Other names: short protein forms R325S.
Identifiers: ClinVar variation 1187086 (VCV001187086.2), dbSNP rs2152162756, ClinGen allele CA388638513.